The following is an entry in ClinVar:

NM_170601.5(SIAE):c.308T>C (p.Leu103Ser)

Gene: SIAE (sialic acid acetylesterase; minus strand). Cytogenetic location: 11q24.2.
Variant type: single nucleotide variant.
Coding change: c.308T>C on transcript NM_170601.5 (MANE Select); coding-DNA position 308, T replaced by C.
Protein change: p.Leu103Ser; replaces leucine 103 with serine.
Molecular consequence: missense variant.
Genome position (GRCh38, 1-based): chr11:124,660,725, A>G on the plus strand (T>C on the coding strand, the complement: SIAE is on the minus strand). VCF-style: chr11-124660725-A-G. GRCh37 (hg19) VCF-style: chr11-124530621-A-G.
Other names: c.203T>C, p.Leu68Ser (NM_001199922.2); short protein forms L103S, L68S.
Identifiers: ClinVar variation 2515319 (VCV002515319.5), dbSNP rs972420113, ClinGen allele CA230364994.

ClinVar aggregate classification (germline): Uncertain significance. Review status: criteria provided, multiple submitters, no conflicts (2 of 4 stars). 2 submissions from 2 submitters: Uncertain significance (2). Last evaluated 2025-05-07.

Allele frequency attached by ClinVar (database versions not stated): gnomAD 0.00001; TOPMed 0.00001.
gnomAD v4.1: 23 of 1,614,100 alleles (0.0014%); highest among the groups gnomAD compares: Non-Finnish European, 0.0018%; no homozygotes.

Submissions (2):

Labcorp Genetics (formerly Invitae), Labcorp
Classification: Uncertain significance. Last evaluated: 2025-05-07. Review status: criteria provided, single submitter. Criteria: Invitae Variant Classification Sherloc (09022015). Collection method: clinical testing. Allele origin: germline.
Comment: This sequence change replaces leucine, which is neutral and non-polar, with serine, which is neutral and polar, at codon 103 of the SIAE protein (p.Leu103Ser). This variant is present in population databases (no rsID available, gnomAD 0.002%). This variant has not been reported in the literature in individuals affected with SIAE-related conditions. ClinVar contains an entry for this variant (Variation ID: 2515319). An algorithm developed to predict the effect of missense changes on protein structure and function outputs the following: PolyPhen-2: "Benign". The serine amino acid residue is found in multiple mammalian species, which suggests that this missense change does not adversely affect protein function. In summary, the available evidence is currently insufficient to determine the role of this variant in disease. Therefore, it has been classified as a Variant of Uncertain Significance.

Ambry Genetics
Classification: Uncertain significance. Last evaluated: 2023-05-08. Review status: criteria provided, single submitter. Criteria: Ambry Variant Classification Scheme 2023. Collection method: clinical testing. Allele origin: germline.